The following is an entry in ClinVar:

ClinVar aggregate classification (germline): Conflicting classifications of pathogenicity. Review status: criteria provided, conflicting classifications (1 of 4 stars). 2 submissions from 2 submitters: Uncertain significance (1); Benign (1). Last evaluated 2025-03-26.

Conditions:
Tuberous sclerosis 2 (TSC2). Identifiers: Orphanet 805, MedGen C1860707, MONDO:0013199, OMIM 613254.
Hereditary cancer-predisposing syndrome. Also called: Neoplastic Syndromes, Hereditary; Hereditary Cancer Syndrome; Hereditary neoplastic syndrome; Tumor predisposition. Identifiers: Orphanet 140162, MedGen C0027672, MeSH D009386, MONDO:0015356.

Allele frequency attached by ClinVar (database versions not stated): gnomAD exomes below 0.00001 and 0.00001; TOPMed below 0.00001; gnomAD 0.00001.

Submissions (2):

Labcorp Genetics (formerly Invitae), Labcorp
Classification: Benign for Tuberous sclerosis 2. Last evaluated: 2025-03-26. Review status: criteria provided, single submitter. Criteria: Invitae Variant Classification Sherloc (09022015). Collection method: clinical testing. Allele origin: germline.

Ambry Genetics
Classification: Uncertain significance for Hereditary cancer-predisposing syndrome. Last evaluated: 2024-11-18. Review status: criteria provided, single submitter. Criteria: Ambry Variant Classification Scheme 2023. Collection method: clinical testing. Allele origin: germline.
Comment: The p.D616E variant (also known as c.1848C>G), located in coding exon 17 of the TSC2 gene, results from a C to G substitution at nucleotide position 1848. The aspartic acid at codon 616 is replaced by glutamic acid, an amino acid with highly similar properties. This amino acid position is highly conserved in available vertebrate species. In addition, the in silico prediction for this alteration is inconclusive. Based on the available evidence, the clinical significance of this variant remains unclear.

NM_000548.5(TSC2):c.1848C>G (p.Asp616Glu)

Gene: TSC2 (TSC complex subunit 2; plus strand). Cytogenetic location: 16p13.3.
Variant type: single nucleotide variant.
Coding change: c.1848C>G on transcript NM_000548.5 (MANE Select); coding-DNA position 1848, C replaced by G.
Protein change: p.Asp616Glu; replaces aspartic acid 616 with glutamic acid.
Molecular consequence: missense variant.
Genome position (GRCh38, 1-based): chr16:2,071,518, C>G. VCF-style: chr16-2071518-C-G. GRCh37 (hg19) VCF-style: chr16-2121519-C-G.
Other names: c.1848C>G, p.Asp616Glu (NM_001077183.3, NM_001114382.3, NM_001363528.2 and 3 more transcripts); c.1737C>G, p.Asp579Glu (NM_001318827.2); c.1701C>G, p.Asp567Glu (NM_001318829.2); c.1248C>G, p.Asp416Glu (NM_001318831.2); c.1881C>G, p.Asp627Glu (NM_001318832.2); short protein forms D616E, D416E, D567E, D579E, D627E.
Identifiers: ClinVar variation 646010 (VCV000646010.14), dbSNP rs1383525805, ClinGen allele CA394273044.